The following is an entry in ClinVar:

NM_031935.3(HMCN1):c.14452G>A (p.Gly4818Arg)

Gene: HMCN1 (hemicentin 1; plus strand). Cytogenetic location: 1q31.1.
Variant type: single nucleotide variant.
Coding change: c.14452G>A on transcript NM_031935.3 (MANE Select); coding-DNA position 14452, G replaced by A.
Protein change: p.Gly4818Arg; replaces glycine 4818 with arginine.
Molecular consequence: missense variant.
Genome position (GRCh38, 1-based): chr1:186,145,767, G>A. VCF-style: chr1-186145767-G-A. GRCh37 (hg19) VCF-style: chr1-186114899-G-A.
Other names: c.14452G>A (NM_031935.2); short protein forms G4818R.
Identifiers: ClinVar variation 2970344 (VCV002970344.4), dbSNP rs966339887, ClinGen allele CA33477268.

ClinVar aggregate classification (germline): Uncertain significance. Review status: criteria provided, multiple submitters, no conflicts (2 of 4 stars). 2 submissions from 2 submitters: Uncertain significance (2). Last evaluated 2025-06-07.

Allele frequency attached by ClinVar (database versions not stated): gnomAD exomes below 0.00001; gnomAD 0.00001; TOPMed 0.00002.
gnomAD v4.1: 7 of 1,614,024 alleles (0.00043%); highest among the groups gnomAD compares: Admixed American, 0.0033%; no homozygotes.

Submissions (2):

Ambry Genetics
Classification: Uncertain significance. Last evaluated: 2025-06-07. Review status: criteria provided, single submitter. Criteria: Ambry Variant Classification Scheme 2023. Collection method: clinical testing. Allele origin: germline.

Labcorp Genetics (formerly Invitae), Labcorp
Classification: Uncertain significance. Last evaluated: 2023-11-22. Review status: criteria provided, single submitter. Criteria: Invitae Variant Classification Sherloc (09022015). Collection method: clinical testing. Allele origin: germline.
Comment: This sequence change replaces glycine, which is neutral and non-polar, with arginine, which is basic and polar, at codon 4818 of the HMCN1 protein (p.Gly4818Arg). This variant is present in population databases (no rsID available, gnomAD 0.003%). This variant has not been reported in the literature in individuals affected with HMCN1-related conditions. An algorithm developed to predict the effect of missense changes on protein structure and function (PolyPhen-2) suggests that this variant is likely to be disruptive. In summary, the available evidence is currently insufficient to determine the role of this variant in disease. Therefore, it has been classified as a Variant of Uncertain Significance.